The following is an entry in ClinVar:

ClinVar aggregate classification (germline): Uncertain significance. Review status: criteria provided, multiple submitters, no conflicts (2 of 4 stars). 2 submissions from 2 submitters: Uncertain significance (2). Last evaluated 2024-11-19.

Conditions:
Early-infantile DEE. Also called: Ohtahara syndrome; Early infantile epileptic encephalopathy; Early infantile epileptic encephalopathy with suppression bursts. Identifiers: Orphanet 1934, MedGen C0393706, MONDO:0800491.

Submissions (2):

GeneDx
Classification: Uncertain significance. Last evaluated: 2024-11-19. Review status: criteria provided, single submitter. Criteria: GeneDx Variant Classification Process June 2021. Collection method: clinical testing. Allele origin: germline. Affected: yes.
Comment: Not observed at significant frequency in large population cohorts (gnomAD); In silico analysis supports that this missense variant has a deleterious effect on protein structure/function; Has not been previously published as pathogenic or benign to our knowledge; This substitution is predicted to be within the pore forming loop between the S5 and S6 transmembrane segments of the second homologous domain

Labcorp Genetics (formerly Invitae), Labcorp
Classification: Uncertain significance for Early-infantile DEE. Last evaluated: 2022-05-12. Review status: criteria provided, single submitter. Criteria: Invitae Variant Classification Sherloc (09022015). Collection method: clinical testing. Allele origin: germline.
Comment: This sequence change replaces methionine, which is neutral and non-polar, with valine, which is neutral and non-polar, at codon 941 of the SCN8A protein (p.Met941Val). In summary, the available evidence is currently insufficient to determine the role of this variant in disease. Therefore, it has been classified as a Variant of Uncertain Significance. Algorithms developed to predict the effect of missense changes on protein structure and function are either unavailable or do not agree on the potential impact of this missense change (SIFT: "Deleterious"; PolyPhen-2: "Possibly Damaging"; Align-GVGD: "Class C0"). This variant has not been reported in the literature in individuals affected with SCN8A-related conditions. This variant is not present in population databases (gnomAD no frequency).

NM_001330260.2(SCN8A):c.2821A>G (p.Met941Val)

Gene: SCN8A (sodium voltage-gated channel alpha subunit 8; plus strand). Cytogenetic location: 12q13.13.
Variant type: single nucleotide variant.
Coding change: c.2821A>G on transcript NM_001330260.2 (MANE Select); coding-DNA position 2821, A replaced by G.
Protein change: p.Met941Val; replaces methionine 941 with valine.
Molecular consequence: missense variant.
Genome position (GRCh38, 1-based): chr12:51,765,947, A>G. VCF-style: chr12-51765947-A-G. GRCh37 (hg19) VCF-style: chr12-52159731-A-G.
Other names: c.2821A>G (NM_014191.3); c.2821A>G, p.Met941Val (NM_001177984.3, NM_001369788.1, NM_014191.4); short protein forms M941V.
Identifiers: ClinVar variation 1993484 (VCV001993484.5), dbSNP rs2540260615, ClinGen allele CA384889269.